The following is an entry in ClinVar:

ClinVar aggregate classification (germline): Pathogenic (1 of 4 stars; one submission).

Conditions:
Tuberous sclerosis 2 (TSC2). Identifiers: Orphanet 805, MedGen C1860707, MONDO:0013199, OMIM 613254.

Submission:

Labcorp Genetics (formerly Invitae), Labcorp
Classification: Pathogenic for Tuberous sclerosis 2. Last evaluated: 2022-07-06. Review status: criteria provided, single submitter. Criteria: Invitae Variant Classification Sherloc (09022015). Collection method: clinical testing. Allele origin: germline.
Comment: For these reasons, this variant has been classified as Pathogenic. This variant has not been reported in the literature in individuals affected with TSC2-related conditions. This variant is not present in population databases (gnomAD no frequency). This sequence change creates a premature translational stop signal (p.Lys83Argfs*23) in the TSC2 gene. It is expected to result in an absent or disrupted protein product. Loss-of-function variants in TSC2 are known to be pathogenic (PMID: 10205261, 17304050).

Literature cited by the submitters: PubMed 10205261; PubMed 17304050.

NM_000548.5(TSC2):c.248del (p.Lys83fs)

Gene: TSC2 (TSC complex subunit 2; plus strand). Cytogenetic location: 16p13.3.
Variant type: Deletion.
Coding change: c.248del on transcript NM_000548.5 (MANE Select); coding-DNA position 248, one base deleted (A; older notation c.248delA).
Protein change: p.Lys83fs; shifts the reading frame from lysine 83.
Molecular consequence: frameshift variant. On other transcripts: intron variant (2).
Genome position (GRCh38, 1-based): chr16:2,053,364, A deleted; the last of 2 consecutive A bases (chr16:2,053,363-2,053,364); deleting either gives the same sequence. VCF-style (leftmost placement, unchanged base first): chr16-2053362-GA-G. GRCh37 (hg19) VCF-style: chr16-2103363-GA-G.
Other names: c.248del, p.Lys83fs (NM_001077183.3, NM_001114382.3, NM_001363528.2 and 3 more transcripts); c.101del, p.Lys34fs (NM_001318829.2); c.281del, p.Lys94fs (NM_001318832.2); c.248delA, p.Lys83Argfs (NM_001406663.1, NM_001406664.1, NM_001406665.1 and 4 more transcripts); c.101delA, p.Lys34Argfs (NM_001406675.1, NM_001406676.1, NM_001406677.1 and 1 more transcripts); c.-569delA (NM_001406680.1, NM_001406683.1, NM_001406687.1); c.-198delA (NM_001406681.1); c.-1184delA (NM_001406689.1, NM_001406690.1, NM_001406691.1 and 2 more transcripts); and 6 more; short protein forms K83fs, K94fs, K34fs.
Identifiers: ClinVar variation 2014402 (VCV002014402.4), dbSNP rs2548396658, ClinGen allele CA2580090616.